The following is an entry in ClinVar:

ClinVar aggregate classification (germline): Likely benign (1 of 4 stars; one submission).

Conditions:
CREBBP-related disorder. Also called: CREBBP-related condition; CREBBP-related disorders.

Submission:

PreventionGenetics, part of Exact Sciences
Classification: Likely benign for CREBBP-related condition. Last evaluated: 2024-10-28. Review status: criteria provided, single submitter. Criteria: ACMG Guidelines, 2015. Collection method: clinical testing. Allele origin: germline.
Comment: This variant is classified as likely benign based on ACMG/AMP sequence variant interpretation guidelines (Richards et al. 2015 PMID: 25741868, with internal and published modifications).

NM_004380.3(CREBBP):c.4729-7G>T

Gene: CREBBP (CREB binding lysine acetyltransferase; minus strand). Cytogenetic location: 16p13.3.
Variant type: single nucleotide variant.
Coding change: c.4729-7G>T on transcript NM_004380.3 (MANE Select); 7 bases into the intron before coding-DNA position 4729, G replaced by T.
Molecular consequence: intron variant.
Genome position (GRCh38, 1-based): chr16:3,731,944, C>A on the plus strand (G>T on the coding strand, the complement: CREBBP is on the minus strand). VCF-style: chr16-3731944-C-A. GRCh37 (hg19) VCF-style: chr16-3781945-C-A.
Other names: c.4615-7G>T (NM_001079846.1).
Identifiers: ClinVar variation 4983791 (VCV004983791.1).